The following is an entry in ClinVar:

ClinVar aggregate classification (germline): Uncertain significance (1 of 4 stars; one submission).

Conditions:
Epilepsy, childhood absence, susceptibility to, 5. Identifiers: Orphanet 64280, MedGen C2677087, MONDO:0012843, OMIM 612269.
Epilepsy, childhood absence, susceptibility to, 1. Also called: Epilepsy, childhood absence 1. Identifiers: Orphanet 64280, MedGen C1838604, MONDO:0020759, OMIM 600131.

Submission:

Labcorp Genetics (formerly Invitae), Labcorp
Classification: Uncertain significance for Epilepsy, childhood absence, susceptibility to, 5; Epilepsy, childhood absence, susceptibility to, 1. Last evaluated: 2022-05-13. Review status: criteria provided, single submitter. Criteria: Invitae Variant Classification Sherloc (09022015). Collection method: clinical testing. Allele origin: germline.
Comment: This variant has not been reported in the literature in individuals affected with GABRB3-related conditions. In summary, the available evidence is currently insufficient to determine the role of this variant in disease. Therefore, it has been classified as a Variant of Uncertain Significance. Advanced modeling of protein sequence and biophysical properties (such as structural, functional, and spatial information, amino acid conservation, physicochemical variation, residue mobility, and thermodynamic stability) performed at Invitae indicates that this missense variant is not expected to disrupt GABRB3 protein function. This variant is not present in population databases (gnomAD no frequency). This sequence change replaces serine, which is neutral and polar, with threonine, which is neutral and polar, at codon 398 of the GABRB3 protein (p.Ser398Thr).

NM_000814.6(GABRB3):c.1192T>A (p.Ser398Thr)

Gene: GABRB3 (gamma-aminobutyric acid type A receptor subunit beta3; minus strand). Cytogenetic location: 15q12.
Variant type: single nucleotide variant.
Coding change: c.1192T>A on transcript NM_000814.6 (MANE Select); coding-DNA position 1192, T replaced by A.
Protein change: p.Ser398Thr; replaces serine 398 with threonine.
Molecular consequence: missense variant.
Genome position (GRCh38, 1-based): chr15:26,548,023, A>T on the plus strand (T>A on the coding strand, the complement: GABRB3 is on the minus strand). VCF-style: chr15-26548023-A-T. GRCh37 (hg19) VCF-style: chr15-26793170-A-T.
Other names: c.937T>A, p.Ser313Thr (NM_001191320.2, NM_001278631.2); c.979T>A, p.Ser327Thr (NM_001191321.3); c.1192T>A, p.Ser398Thr (NM_021912.5); short protein forms S398T, S327T, S313T.
Identifiers: ClinVar variation 1994136 (VCV001994136.4), dbSNP rs2504114861, ClinGen allele CA391459057.